The following is an entry in ClinVar:

NM_032816.5(CEP89):c.1363C>A (p.His455Asn)

Gene: CEP89 (centrosomal protein 89; minus strand). Cytogenetic location: 19q13.11.
Variant type: single nucleotide variant.
Coding change: c.1363C>A on transcript NM_032816.5 (MANE Select); coding-DNA position 1363, C replaced by A.
Protein change: p.His455Asn; replaces histidine 455 with asparagine.
Molecular consequence: missense variant.
Genome position (GRCh38, 1-based): chr19:32,918,245, G>T on the plus strand (C>A on the coding strand, the complement: CEP89 is on the minus strand). VCF-style: chr19-32918245-G-T. GRCh37 (hg19) VCF-style: chr19-33409151-G-T.
Other names: c.1363C>A (NM_032816.3); short protein forms H455N.
Identifiers: ClinVar variation 2145515 (VCV002145515.5), dbSNP rs544449039, ClinGen allele CA9359322.

ClinVar aggregate classification (germline): Uncertain significance. Review status: criteria provided, multiple submitters, no conflicts (2 of 4 stars). 2 submissions from 2 submitters: Uncertain significance (2). Last evaluated 2024-08-19.

Allele frequency attached by ClinVar (database versions not stated): gnomAD exomes 0.00001; gnomAD 0.00003; ExAC 0.00004; TOPMed 0.00008; 1000 Genomes Project 0.00020; 1000 Genomes Project 30x 0.00031.
gnomAD v4.1: 27 of 1,614,002 alleles (0.0017%); highest among the groups gnomAD compares: Admixed American, 0.022%; no homozygotes.

Submissions (2):

Ambry Genetics
Classification: Uncertain significance. Last evaluated: 2024-08-19. Review status: criteria provided, single submitter. Criteria: Ambry Variant Classification Scheme 2023. Collection method: clinical testing. Allele origin: germline.

Labcorp Genetics (formerly Invitae), Labcorp
Classification: Uncertain significance. Last evaluated: 2022-07-07. Review status: criteria provided, single submitter. Criteria: Invitae Variant Classification Sherloc (09022015). Collection method: clinical testing. Allele origin: germline.
Comment: In summary, the available evidence is currently insufficient to determine the role of this variant in disease. Therefore, it has been classified as a Variant of Uncertain Significance. Algorithms developed to predict the effect of missense changes on protein structure and function output the following: SIFT: "Deleterious"; PolyPhen-2: "Benign"; Align-GVGD: "Class C0". The asparagine amino acid residue is found in multiple mammalian species, which suggests that this missense change does not adversely affect protein function. This variant has not been reported in the literature in individuals affected with CEP89-related conditions. This sequence change replaces histidine, which is basic and polar, with asparagine, which is neutral and polar, at codon 455 of the CEP89 protein (p.His455Asn). This variant is present in population databases (rs544449039, gnomAD 0.02%).